The following is an entry in ClinVar:

ClinVar aggregate classification (germline): Benign/Likely benign. Review status: criteria provided, multiple submitters, no conflicts (2 of 4 stars). 2 submissions from 2 submitters: Benign (1); Likely benign (1). Last evaluated 2026-07-01.

Conditions:
Sessile serrated polyposis cancer syndrome (SSPCS). Identifiers: Orphanet 157798, MedGen C4310714, MONDO:0014919, OMIM 617108.

gnomAD v4.1: 4 of 1,557,010 alleles (0.00026%); highest among the groups gnomAD compares: Non-Finnish European, 0.00035%; no homozygotes.

Submissions (2):

Myriad Genetics, Inc.
Classification: Benign for Sessile serrated polyposis cancer syndrome. Last evaluated: 2026-07-01. Review status: criteria provided, single submitter. Criteria: Myriad Autosomal Dominant, Autosomal Recessive and X-Linked Classification Criteria (2023). Collection method: clinical testing. Allele origin: unknown.
Comment: This variant is considered benign. This variant is a silent/synonymous amino acid change and it is not expected to impact splicing.

Ambry Genetics
Classification: Likely benign. Last evaluated: 2025-07-03. Review status: criteria provided, single submitter. Criteria: Ambry Variant Classification Scheme 2023. Collection method: clinical testing. Allele origin: germline.

NM_017763.6(RNF43):c.1050C>T (p.His350=)

Gene: RNF43 (ring finger protein 43; minus strand). Cytogenetic location: 17q22.
Variant type: single nucleotide variant.
Coding change: c.1050C>T on transcript NM_017763.6 (MANE Select); coding-DNA position 1050, C replaced by T.
Protein change: p.His350=; no amino-acid change (histidine 350 retained).
Molecular consequence: synonymous variant.
Genome position (GRCh38, 1-based): chr17:58,358,726, G>A on the plus strand (C>T on the coding strand, the complement: RNF43 is on the minus strand). VCF-style: chr17-58358726-G-A. GRCh37 (hg19) VCF-style: chr17-56436087-G-A.
Other names: c.1050C>T, p.His350= (NM_001305544.3, NM_001438820.1, NM_001438821.1 and 1 more transcripts); c.669C>T, p.His223= (NM_001305545.2, NM_001437987.1).
Identifiers: ClinVar variation 4155735 (VCV004155735.2).
Genomic context (GRCh38, chr17:58,358,726, plus strand): 5'-TGGGGGCCGAGCCACTGCACTCCGGGAAGGGCCCAACAGGTAGGCAGCAGGGAGGTGGTA[G>A]TGGGCATGGCCGGGATGCTGGCGAATGAGGTGGAGTCTTCGACCTGGTTCTTGGTAAGAT-3'
Protein context (NP_060233.3, residues 340-360): HLIRQHPGHA[His350=]YHLPAAYLLG